The following is an entry in ClinVar:

NM_170606.3(KMT2C):c.13204_13205delinsA (p.Cys4402fs)

Gene: KMT2C (lysine methyltransferase 2C; minus strand). Cytogenetic location: 7q36.1.
Variant type: Indel.
Coding change: c.13204_13205delinsA on transcript NM_170606.3 (MANE Select); coding-DNA positions 13204 to 13205, TG replaced by A.
Protein change: p.Cys4402fs; shifts the reading frame from cysteine 4402.
Molecular consequence: frameshift variant.
Genome position (GRCh38, 1-based): chr7:152,148,722-152,148,723, CA replaced by T on the plus strand (TG replaced by A on the coding strand, the reverse complement: KMT2C is on the minus strand). VCF-style: chr7-152148722-CA-T. GRCh37 (hg19) VCF-style: chr7-151845807-CA-T.
Other names: short protein forms C4402fs.
Identifiers: ClinVar variation 4795898 (VCV004795898.1).

ClinVar aggregate classification (germline): Pathogenic (1 of 4 stars; one submission).

Conditions:
Kleefstra syndrome 2 (KLEFS2). Identifiers: MedGen C4540395, MONDO:0054701, OMIM 617768.

Submission:

Neurogenetic Laboratory, Second Faculty of Medicine, Charles University
Classification: Pathogenic for Kleefstra syndrome 2. Review status: criteria provided, single submitter. Criteria: ACMG Guidelines, 2015. Collection method: clinical testing. Allele origin: de novo. Inheritance: Autosomal dominant inheritance. Affected: yes. Observed: 1 heterozygote.
Comment: The NM_170606.3:c.13204_13205delinsA, p.(Cys4402Ilefs*11) is a frameshift variant in KMT2C which is predicted to result in a premature stop codon at position 11, and likely results in an absent or disrupted protein product (PVS1_very_strong). To our knowledge, no experimental evidence demonstrating an impact on protein function has been reported. The variant has been identified as a de novo occurrence with confirmation of paternity and maternity (PS2_strong). This variant is not present in gnomAD (PM2_strong; version 4.1.0). In summary, this variant meets criteria to be classified as pathogenic based on ACMG criteria applied (Richards et al. Genet Med 2015;17(5):405-24). The phenotype-genotype correlation indicate that the variant is very likely to be associated with the disease Kleefstra syndrome 2 (OMIM # 617768).